The following is an entry in ClinVar:

NM_007194.4(CHEK2):c.1481A>T (p.Lys494Met)

Gene: CHEK2 (checkpoint kinase 2; minus strand). Cytogenetic location: 22q12.1.
Variant type: single nucleotide variant.
Coding change: c.1481A>T on transcript NM_007194.4 (MANE Select); coding-DNA position 1481, A replaced by T.
Protein change: p.Lys494Met; replaces lysine 494 with methionine.
Molecular consequence: missense variant.
Genome position (GRCh38, 1-based): chr22:28,689,196, T>A on the plus strand (A>T on the coding strand, the complement: CHEK2 is on the minus strand). VCF-style: chr22-28689196-T-A. GRCh37 (hg19) VCF-style: chr22-29085184-T-A.
Other names: c.1610A>T, p.Lys537Met (NM_001005735.3); c.818A>T, p.Lys273Met (NM_001257387.3); c.1280A>T, p.Lys427Met (NM_001349956.3); c.1394A>T, p.Lys465Met (NM_145862.3); short protein forms K494M, K273M, K465M, K537M, K427M.
Identifiers: ClinVar variation 1505913 (VCV001505913.9), dbSNP rs1601702380, ClinGen allele CA411092574.

ClinVar aggregate classification (germline): Uncertain significance (1 of 4 stars; one submission).

Conditions:
Familial cancer of breast. Also called: hereditary breast carcinoma; Hereditary breast cancer; BREAST CANCER, FAMILIAL. Identifiers: Orphanet 227535, MedGen C0346153, MONDO:0016419, OMIM 114480. Disease mechanism: loss of function.

Submission:

Labcorp Genetics (formerly Invitae), Labcorp
Classification: Uncertain significance for Familial cancer of breast. Last evaluated: 2021-01-30. Review status: criteria provided, single submitter. Criteria: Invitae Variant Classification Sherloc (09022015). Collection method: clinical testing. Allele origin: germline.
Comment: Algorithms developed to predict the effect of missense changes on protein structure and function are either unavailable or do not agree on the potential impact of this missense change (SIFT: "Deleterious"; PolyPhen-2: "Possibly Damaging"; Align-GVGD: "Class C0"). In summary, the available evidence is currently insufficient to determine the role of this variant in disease. Therefore, it has been classified as a Variant of Uncertain Significance. This variant has not been reported in the literature in individuals with CHEK2-related conditions. This variant is not present in population databases (ExAC no frequency). This sequence change replaces lysine with methionine at codon 494 of the CHEK2 protein (p.Lys494Met). The lysine residue is moderately conserved and there is a moderate physicochemical difference between lysine and methionine.